The following is an entry in ClinVar:

ClinVar aggregate classification (germline): Uncertain significance (1 of 4 stars; one submission).

Conditions:
Neuronopathy, distal hereditary motor, type 7A. Also called: HARPER-YOUNG MYOPATHY; HMN VIIA; SPINAL MUSCULAR ATROPHY, DISTAL, WITH VOCAL CORD PARALYSIS; Neuronopathy, distal hereditary motor, type viia; NEURONOPATHY, DISTAL HEREDITARY MOTOR, HARDING TYPE VIIA; NEUROPATHY, DISTAL HEREDITARY MOTOR, HARDING TYPE VIIA. Identifiers: Orphanet 139589, MedGen C1834703, MONDO:0008024, OMIM 158580.
Congenital myasthenic syndrome 20. Also called: Myasthenic syndrome, congenital, 20, presynaptic. Identifiers: MedGen C4310694, MONDO:0014939, OMIM 617143.

Allele frequency attached by ClinVar (database versions not stated): ESP Exome Variant Server 0.00008.

Submission:

Labcorp Genetics (formerly Invitae), Labcorp
Classification: Uncertain significance for Neuronopathy, distal hereditary motor, type 7A; Congenital myasthenic syndrome 20. Last evaluated: 2024-05-01. Review status: criteria provided, single submitter. Criteria: Invitae Variant Classification Sherloc (09022015). Collection method: clinical testing. Allele origin: germline.
Comment: This sequence change replaces leucine, which is neutral and non-polar, with serine, which is neutral and polar, at codon 459 of the SLC5A7 protein (p.Leu459Ser). This variant is not present in population databases (gnomAD no frequency). This variant has not been reported in the literature in individuals affected with SLC5A7-related conditions. ClinVar contains an entry for this variant (Variation ID: 1376938). Advanced modeling of protein sequence and biophysical properties (such as structural, functional, and spatial information, amino acid conservation, physicochemical variation, residue mobility, and thermodynamic stability) performed at Invitae indicates that this missense variant is not expected to disrupt SLC5A7 protein function with a negative predictive value of 80%. In summary, the available evidence is currently insufficient to determine the role of this variant in disease. Therefore, it has been classified as a Variant of Uncertain Significance.

NM_021815.5(SLC5A7):c.1376T>C (p.Leu459Ser)

Gene: SLC5A7 (solute carrier family 5 member 7; plus strand). Cytogenetic location: 2q12.3.
Variant type: single nucleotide variant.
Coding change: c.1376T>C on transcript NM_021815.5 (MANE Select); coding-DNA position 1376, T replaced by C.
Protein change: p.Leu459Ser; replaces leucine 459 with serine.
Molecular consequence: missense variant.
Genome position (GRCh38, 1-based): chr2:108,010,494, T>C. VCF-style: chr2-108010494-T-C. GRCh37 (hg19) VCF-style: chr2-108626950-T-C.
Other names: c.1376T>C, p.Leu459Ser (NM_001305005.3); c.1061T>C, p.Leu354Ser (NM_001305006.3); c.635T>C, p.Leu212Ser (NM_001305007.3); short protein forms L212S, L459S, L354S.
Identifiers: ClinVar variation 1376938 (VCV001376938.6), dbSNP rs145310206, ClinGen allele CA53969283.